The following is an entry in ClinVar:

ClinVar aggregate classification (germline): Uncertain significance. Review status: criteria provided, multiple submitters, no conflicts (2 of 4 stars). 3 submissions from 3 submitters: Uncertain significance (3). Last evaluated 2025-03-05.

Conditions:
Bloom syndrome (BLM). Also called: Bloom-Torre-Machacek syndrome. Identifiers: Orphanet 125, MedGen C0005859, MONDO:0008876, OMIM 210900.
Hereditary cancer-predisposing syndrome. Also called: Tumor predisposition; Hereditary Cancer Syndrome; Neoplastic Syndromes, Hereditary; Hereditary neoplastic syndrome. Identifiers: Orphanet 140162, MedGen C0027672, MeSH D009386, MONDO:0015356.

Allele frequency attached by ClinVar (database versions not stated): gnomAD exomes below 0.00001.

Submissions (3):

Ambry Genetics
Classification: Uncertain significance for Hereditary cancer-predisposing syndrome. Last evaluated: 2025-03-05. Review status: criteria provided, single submitter. Criteria: Ambry Variant Classification Scheme 2023. Collection method: clinical testing. Allele origin: germline.
Comment: The p.V1088I variant (also known as c.3262G>A), located in coding exon 16 of the BLM gene, results from a G to A substitution at nucleotide position 3262. The valine at codon 1088 is replaced by isoleucine, an amino acid with highly similar properties. This amino acid position is conserved. In addition, this alteration is predicted to be tolerated by in silico analysis. Since supporting evidence is limited at this time, the clinical significance of this alteration remains unclear.

Labcorp Genetics (formerly Invitae), Labcorp
Classification: Uncertain significance for Bloom syndrome. Last evaluated: 2022-06-30. Review status: criteria provided, single submitter. Criteria: Invitae Variant Classification Sherloc (09022015). Collection method: clinical testing. Allele origin: germline.
Comment: This sequence change replaces valine, which is neutral and non-polar, with isoleucine, which is neutral and non-polar, at codon 1088 of the BLM protein (p.Val1088Ile). This variant is present in population databases (no rsID available, gnomAD 0.003%). This variant has not been reported in the literature in individuals affected with BLM-related conditions. ClinVar contains an entry for this variant (Variation ID: 1336737). Algorithms developed to predict the effect of missense changes on protein structure and function (SIFT, PolyPhen-2, Align-GVGD) all suggest that this variant is likely to be tolerated. In summary, the available evidence is currently insufficient to determine the role of this variant in disease. Therefore, it has been classified as a Variant of Uncertain Significance.

Genetic Services Laboratory, University of Chicago
Classification: Uncertain significance. Last evaluated: 2018-06-25. Review status: criteria provided, single submitter. Criteria: ACMG Guidelines, 2015. Collection method: clinical testing. Allele origin: germline. Affected: no.

NM_000057.4(BLM):c.3262G>A (p.Val1088Ile)

Gene: BLM (BLM RecQ like helicase; plus strand). Cytogenetic location: 15q26.1.
Variant type: single nucleotide variant.
Coding change: c.3262G>A on transcript NM_000057.4 (MANE Select); coding-DNA position 3262, G replaced by A.
Protein change: p.Val1088Ile; replaces valine 1088 with isoleucine.
Molecular consequence: missense variant.
Genome position (GRCh38, 1-based): chr15:90,798,241, G>A. VCF-style: chr15-90798241-G-A. GRCh37 (hg19) VCF-style: chr15-91341471-G-A.
Other names: c.3262G>A, p.Val1088Ile (NM_001287246.2, NM_001287247.2); c.2137G>A, p.Val713Ile (NM_001287248.2); short protein forms V1088I, V713I.
Identifiers: ClinVar variation 1336737 (VCV001336737.8), dbSNP rs934966838, ClinGen allele CA393847209.
Genomic context (GRCh38, chr15:90,798,241, plus strand): 5'-TATTCATAGGATTATAAAACAAGAGATGTGACTGACGATGTGAAAAGTATTGTAAGATTT[G>A]TTCAAGAACATAGTTCATCACAAGGAATGAGAAATATAAAACATGTAGGTCCTTCTGGAA-3'
Protein context (NP_000048.1, residues 1078-1098): TDDVKSIVRF[Val1088Ile]QEHSSSQGMR